The following is an entry in ClinVar:

ClinVar aggregate classification (germline): Conflicting classifications of pathogenicity. Review status: criteria provided, conflicting classifications (1 of 4 stars). 3 submissions from 3 submitters: Uncertain significance (2); Likely benign (1). Last evaluated 2025-09-15.

Conditions:
Hereditary breast ovarian cancer syndrome. Also called: Breast and ovarian cancer; Hereditary breast and ovarian cancer syndrome (HBOC); Hereditary breast and ovarian cancer; Hereditary breast and/or ovarian cancer syndrome; BRCA1- and BRCA2-Associated Hereditary Breast and Ovarian Cancer; Hereditary breast and ovarian cancer syndrome. Identifiers: Orphanet 145, MedGen C0677776, MeSH D061325, MONDO:0003582. Disease mechanism: loss of function.
Hereditary cancer-predisposing syndrome. Also called: Hereditary Cancer Syndrome; Neoplastic Syndromes, Hereditary; Tumor predisposition; Hereditary neoplastic syndrome. Identifiers: Orphanet 140162, MedGen C0027672, MeSH D009386, MONDO:0015356.

Allele frequency attached by ClinVar (database versions not stated): gnomAD exomes below 0.00001.
gnomAD v4.1: 1 of 1,613,512 alleles (0.000062%); highest among the groups gnomAD compares: Non-Finnish European, 0.000085%; no homozygotes.

Submissions (3):

Ambry Genetics
Classification: Uncertain significance for Hereditary cancer-predisposing syndrome. Last evaluated: 2025-09-15. Review status: criteria provided, single submitter. Criteria: Ambry Variant Classification Scheme 2023. Collection method: clinical testing. Allele origin: germline.
Comment: The p.E1346G variant (also known as c.4037A>G), located in coding exon 9 of the BRCA1 gene, results from an A to G substitution at nucleotide position 4037. The glutamic acid at codon 1346 is replaced by glycine, an amino acid with similar properties. This amino acid position is well conserved in available vertebrate species. In addition, the in silico prediction for this alteration is inconclusive. Based on the available evidence, the clinical significance of this variant remains unclear.

University of Washington Department of Laboratory Medicine, University of Washington
Classification: Likely benign for Hereditary cancer-predisposing syndrome. Last evaluated: 2023-03-23. Review status: criteria provided, single submitter. Criteria: Dines et al. (Genet Med. 2020). Collection method: curation. Allele origin: germline.
Comment: Missense variant in a coldspot region where missense variants are very unlikely to be pathogenic (PMID:31911673).

BRCA1 coldspot (exon 11 using historical exon numbering). Reclassification based on statistical prior probability

Labcorp Genetics (formerly Invitae), Labcorp
Classification: Uncertain significance for Hereditary breast ovarian cancer syndrome. Last evaluated: 2020-07-07. Review status: criteria provided, single submitter. Criteria: Invitae Variant Classification Sherloc (09022015). Collection method: clinical testing. Allele origin: germline.
Comment: In summary, the available evidence is currently insufficient to determine the role of this variant in disease. Therefore, it has been classified as a Variant of Uncertain Significance. Algorithms developed to predict the effect of missense changes on protein structure and function are either unavailable or do not agree on the potential impact of this missense change (SIFT: "Deleterious"; PolyPhen-2: "Benign"; Align-GVGD: "Class C0"). This missense change has been observed in individual(s) with a personal and/or family history of breast and/or ovarian cancer (PMID: 21203900). This variant is not present in population databases (ExAC no frequency). This sequence change replaces glutamic acid with glycine at codon 1346 of the BRCA1 protein (p.Glu1346Gly). The glutamic acid residue is moderately conserved and there is a moderate physicochemical difference between glutamic acid and glycine.

Literature cited by the submitters: PubMed 21203900 (cited by Labcorp Genetics (formerly Invitae), Labcorp).

NM_007294.4(BRCA1):c.4037A>G (p.Glu1346Gly)

Genes: BRCA1 (BRCA1 DNA repair associated; minus strand), LOC126862571 (BRD4-independent group 4 enhancer GRCh37_chr17:41243136-41244335; plus strand). Cytogenetic location: 17q21.31.
Variant type: single nucleotide variant.
Coding change: c.4037A>G on transcript NM_007294.4 (MANE Select); coding-DNA position 4037, A replaced by G.
Protein change: p.Glu1346Gly; replaces glutamic acid 1346 with glycine.
Molecular consequence: missense variant. On other transcripts: intron variant (135).
Genome position (GRCh38, 1-based): chr17:43,091,494, T>C on the plus strand (A>G on the coding strand, the complement: BRCA1 is on the minus strand). VCF-style: chr17-43091494-T-C. GRCh37 (hg19) VCF-style: chr17-41243511-T-C.
Other names: c.4034A>G, p.Glu1345Gly (NM_001407628.1, NM_001407629.1, NM_001407630.1 and 22 more transcripts); c.4037A>G, p.Glu1346Gly (NM_001407640.1, NM_001407641.1, NM_001407642.1 and 30 more transcripts); c.4028A>G, p.Glu1343Gly (NM_001407646.1, NM_001407647.1); c.3914A>G, p.Glu1305Gly (NM_001407648.1, NM_001407664.1, NM_001407665.1 and 19 more transcripts); c.3911A>G, p.Glu1304Gly (NM_001407649.1, NM_001407670.1, NM_001407671.1 and 11 more transcripts); c.3959A>G, p.Glu1320Gly (NM_001407653.1, NM_001407654.1, NM_001407655.1 and 4 more transcripts); c.3824A>G, p.Glu1275Gly (NM_001407571.1, NM_001407853.1, NM_001407894.1 and 9 more transcripts); c.3956A>G, p.Glu1319Gly (NM_001407659.1, NM_001407660.1, NM_001407661.1 and 1 more transcripts); and 41 more; short protein forms E1299G, E1346G, E1218G, E1276G, E1304G, E1305G, E1219G, E1258G.
Identifiers: ClinVar variation 1022374 (VCV001022374.13), dbSNP rs2053481117, ClinGen allele CA10593884.